The following is an entry in ClinVar:

NM_001308120.2(TOGARAM1):c.5154C>T (p.Gly1718=)

Gene: TOGARAM1 (TOG array regulator of axonemal microtubules 1; plus strand). Cytogenetic location: 14q21.2.
Variant type: single nucleotide variant.
Coding change: c.5154C>T on transcript NM_001308120.2 (MANE Select); coding-DNA position 5154, C replaced by T.
Protein change: p.Gly1718=; no amino-acid change (glycine 1718 retained).
Molecular consequence: synonymous variant. On other transcripts: non-coding transcript variant (1).
Genome position (GRCh38, 1-based): chr14:45,073,393, C>T. VCF-style: chr14-45073393-C-T. GRCh37 (hg19) VCF-style: chr14-45542596-C-T.
Other names: c.4995C>T, p.Gly1665= (NM_015091.4).
Identifiers: ClinVar variation 5041658 (VCV005041658.1).

ClinVar aggregate classification (germline): Likely benign (1 of 4 stars; one submission).

gnomAD v4.1: 9 of 1,614,130 alleles (0.00056%); highest among the groups gnomAD compares: South Asian, 0.0088%; no homozygotes.

Submission:

CeGaT Center for Human Genetics Tuebingen
Classification: Likely benign. Last evaluated: 2026-09-01. Review status: criteria provided, single submitter. Criteria: CeGaT Center For Human Genetics Tuebingen Variant Classification Criteria Version 2. Collection method: clinical testing. Allele origin: germline. Affected: yes. Observed: 1 variant allele.
Comment: TOGARAM1: BP4, BP7